The following is an entry in ClinVar:

ClinVar aggregate classification (germline): Pathogenic (1 of 4 stars; one submission).

Conditions:
Charcot-Marie-Tooth disease type 2. Also called: Charcot-Marie-Tooth type 2. Identifiers: Orphanet 64746, MedGen C0270914, MONDO:0018993.

Submission:

Labcorp Genetics (formerly Invitae), Labcorp
Classification: Pathogenic for Charcot-Marie-Tooth disease type 2. Last evaluated: 2020-03-13. Review status: criteria provided, single submitter. Criteria: Invitae Variant Classification Sherloc (09022015). Collection method: clinical testing. Allele origin: germline.
Comment: A gross deletion of the genomic region encompassing the full coding sequence of the LMNA gene has been identified. The boundaries of this event are unknown as the deletion extends beyond the assayed region for this gene and therefore may encompass additional genes. This variant has not been reported in the literature in individuals with LMNA-related conditions. Loss-of-function variants in LMNA are known to be pathogenic (PMID: 18585512, 18926329). For these reasons, this variant has been classified as Pathogenic.

Literature cited by the submitters: PubMed 18585512; PubMed 18926329.

NC_000001.10:g.(?_156084700)_(156108907_?)del

Gene: LMNA (lamin A/C; plus strand). Cytogenetic location: 1q22.
Variant type: Deletion.
Identifiers: ClinVar variation 1071869 (VCV001071869.2).